The following is an entry in ClinVar:

NM_005560.6(LAMA5):c.4919C>T (p.Ser1640Leu)

Gene: LAMA5 (laminin subunit alpha 5; minus strand). Cytogenetic location: 20q13.33.
Variant type: single nucleotide variant.
Coding change: c.4919C>T on transcript NM_005560.6 (MANE Select); coding-DNA position 4919, C replaced by T.
Protein change: p.Ser1640Leu; replaces serine 1640 with leucine.
Molecular consequence: missense variant.
Genome position (GRCh38, 1-based): chr20:62,327,548, G>A on the plus strand (C>T on the coding strand, the complement: LAMA5 is on the minus strand). VCF-style: chr20-62327548-G-A. GRCh37 (hg19) VCF-style: chr20-60902604-G-A.
Other names: short protein forms S1640L.
Identifiers: ClinVar variation 1525583 (VCV001525583.11), dbSNP rs199963174, ClinGen allele CA9942434.
Genomic context (GRCh38, chr20:62,327,548, plus strand): 5'-ACCTCCCCGAGAAGGCAATGCCCTCAGTCCTGCAGGCGCACCTCCTGGCGGGTGTAGGAC[G>A]AGCTCCGGCAGCGCTCCGTGGCCCCAAAGCAGAAGCAGCGGGTGCAACCTTTGGGGTTGG-3'
Protein context (NP_005551.3, residues 1630-1650): CFGATERCRS[Ser1640Leu]SYTRQEFVDM

ClinVar aggregate classification (germline): Uncertain significance. Review status: criteria provided, multiple submitters, no conflicts (2 of 4 stars). 5 submissions from 5 submitters: Uncertain significance (5). Last evaluated 2025-12-03.

Conditions:
Nephrotic syndrome. Identifiers: MedGen C0027726, MONDO:0005377, HP:0000100.

Allele frequency attached by ClinVar (database versions not stated): ESP Exome Variant Server 0.00015; 1000 Genomes Project 30x 0.00016; gnomAD 0.00017 and 0.00019; 1000 Genomes Project 0.00020; TOPMed 0.00031; gnomAD exomes 0.00036 and 0.00051; ExAC 0.00038.
gnomAD v4.1: 762 of 1,612,818 alleles (0.047%); highest among the groups gnomAD compares: Middle Eastern, 0.12%; no homozygotes.

Submissions (5):

Dasa
Classification: Uncertain significance. Last evaluated: 2025-12-03. Review status: criteria provided, single submitter. Criteria: DASA Assertion Criteria. Collection method: clinical testing. Allele origin: germline.
Comment: NM_005560.6(LAMA5):c.4919C>T (p.Ser1640Leu) is a missense variant that results in the substitution of serine with leucine. This variant is rare in population databases. Computational prediction algorithms are consistent with a benign effect. The currently available literature and clinical evidence are not sufficient to establish a definitive association between this variant and the reported condition. Therefore, this variant is classified as a variant of uncertain significance.

Labcorp Genetics (formerly Invitae), Labcorp
Classification: Uncertain significance. Last evaluated: 2025-01-06. Review status: criteria provided, single submitter. Criteria: Invitae Variant Classification Sherloc (09022015). Collection method: clinical testing. Allele origin: germline.
Comment: This sequence change replaces serine, which is neutral and polar, with leucine, which is neutral and non-polar, at codon 1640 of the LAMA5 protein (p.Ser1640Leu). This variant is present in population databases (rs199963174, gnomAD 0.06%). This variant has not been reported in the literature in individuals affected with LAMA5-related conditions. ClinVar contains an entry for this variant (Variation ID: 1525583). An algorithm developed to predict the effect of missense changes on protein structure and function (PolyPhen-2) suggests that this variant¬†is likely to be tolerated. In summary, the available evidence is currently insufficient to determine the role of this variant in disease. Therefore, it has been classified as a Variant of Uncertain Significance.

Blueprint Genetics
Classification: Uncertain significance. Last evaluated: 2024-10-11. Review status: criteria provided, single submitter. Criteria: ACMG Guidelines, 2015. Collection method: clinical testing. Allele origin: germline.

Molecular Genetics, Royal Melbourne Hospital
Classification: Uncertain significance for Nephrotic syndrome. Last evaluated: 2023-03-30. Review status: criteria provided, single submitter. Criteria: ACMG Guidelines, 2015. Collection method: clinical testing. Allele origin: germline.
Comment: This sequence change is predicted to replace serine with leucine at codon 1640 of the LAMA5 protein (p.(Ser1640Leu)). The serine residue is moderately conserved (100 vertebrates, UCSC), and is not located in a known functional domain. There is a large physicochemical difference between serine and leucine. The variant is present in a large population cohort at a frequency of 0.03% (rs199963174, 97/281,422 alleles, 0 homozygotes in gnomAD v2.1), with a frequency of 0.06% in the European (non-Finnish) sub-population. There are no reports of the variant in renal disease (PMID: 23999528, 26553438). Multiple lines of computational evidence predict a deleterious effect for the missense substitution (4/5 algorithms). Based on the classification scheme RMH Modified ACMG Guidelines v1.4.0, this variant is classified as a VARIANT OF UNCERTAIN SIGNIFICANCE in a gene of uncertain significance. Following criteria are met: PP3.

Breakthrough Genomics
Classification: Uncertain significance. Review status: criteria provided, single submitter. Criteria: ACMG Guidelines, 2015. Collection method: not provided. Allele origin: germline. Inheritance: Autosomal dominant inheritance. Affected: yes.

Literature cited by the submitters: PubMed 23999528 (cited by Molecular Genetics, Royal Melbourne Hospital); PubMed 26553438 (cited by Molecular Genetics, Royal Melbourne Hospital).